The following is an entry in ClinVar:

NM_022148.4(CRLF2):c.190G>A (p.Gly64Ser)

Gene: CRLF2 (cytokine receptor like factor 2; minus strand). Cytogenetic location: Xp22.33.
Variant type: single nucleotide variant.
Coding change: c.190G>A on transcript NM_022148.4 (MANE Select); coding-DNA position 190, G replaced by A.
Protein change: p.Gly64Ser; replaces glycine 64 with serine.
Molecular consequence: missense variant. On other transcripts: 5 prime UTR variant (1), non-coding transcript variant (1).
Genome position (GRCh38, 1-based): chrX:1,206,592, C>T on the plus strand (G>A on the coding strand, the complement: CRLF2 is on the minus strand). VCF-style: chrX-1206592-C-T. GRCh37 (hg19) VCF-style: chrX-1325485-C-T.
Other names: c.-147G>A (NM_001012288.3); short protein forms G64S.
Identifiers: ClinVar variation 133947 (VCV000133947.1), dbSNP rs587778219, ClinGen allele CA158214.

ClinVar aggregate classification (germline): not provided (0 of 4 stars; one submission).

Allele frequency attached by ClinVar (database versions not stated): gnomAD exomes below 0.00001 and 0.00001; ExAC 0.00001; gnomAD 0.00001; TOPMed 0.00002; 1000 Genomes Project 30x 0.00021; 1000 Genomes Project 0.00026.
gnomAD v4.1: 17 of 1,612,964 alleles (0.0011%); highest among the groups gnomAD compares: Middle Eastern, 0.017%; 1 homozygote.

Submission:

ITMI
No classification provided. Condition: AllHighlyPenetrant. Last evaluated: 2013-09-19. Review status: no classification provided. Collection method: reference population. Allele origin: germline.
Comment: Please see associated publication for description of ethnicities

Literature cited by the submitters: PubMed 24728327.